The following is an entry in ClinVar:

NM_206933.4(USH2A):c.4958G>A (p.Arg1653Gln)

Genes: USH2A (usherin; minus strand), USH2A-AS2 (USH2A antisense RNA 2; plus strand). Cytogenetic location: 1q41.
Variant type: single nucleotide variant.
Coding change: c.4958G>A on transcript NM_206933.4 (MANE Select); coding-DNA position 4958, G replaced by A.
Protein change: p.Arg1653Gln; replaces arginine 1653 with glutamine.
Molecular consequence: missense variant. On other transcripts: non-coding transcript variant (2).
Genome position (GRCh38, 1-based): chr1:216,086,748, C>T on the plus strand (G>A on the coding strand, the complement: USH2A is on the minus strand). VCF-style: chr1-216086748-C-T. GRCh37 (hg19) VCF-style: chr1-216260090-C-T.
Other names: short protein forms R1653Q.
Identifiers: ClinVar variation 504705 (VCV000504705.21), dbSNP rs372436408, ClinGen allele CA1395582.

ClinVar aggregate classification (germline): Conflicting classifications of pathogenicity. Review status: criteria provided, conflicting classifications (1 of 4 stars). 4 submissions from 4 submitters: Uncertain significance (2); Likely benign (2). Last evaluated 2026-02-02.

Allele frequency attached by ClinVar (database versions not stated): gnomAD 0.00003; ESP Exome Variant Server 0.00008; ExAC 0.00009; TOPMed 0.00009; gnomAD exomes 0.00010.
gnomAD v4.1: 69 of 1,612,850 alleles (0.0043%); highest among the groups gnomAD compares: Admixed American, 0.04%; 1 homozygote.

Submissions (4):

Labcorp Genetics (formerly Invitae), Labcorp
Classification: Likely benign. Last evaluated: 2026-02-02. Review status: criteria provided, single submitter. Criteria: Invitae Variant Classification Sherloc (09022015). Collection method: clinical testing. Allele origin: germline.

GeneDx
Classification: Uncertain significance. Last evaluated: 2025-05-02. Review status: criteria provided, single submitter. Criteria: GeneDx Variant Classification Process June 2021. Collection method: clinical testing. Allele origin: germline. Affected: yes.
Comment: In silico analysis suggests that this missense variant does not alter protein structure/function; Has not been previously published as pathogenic or benign to our knowledge

Blueprint Genetics
Classification: Uncertain significance. Last evaluated: 2020-01-07. Review status: criteria provided, single submitter. Criteria: ACMG Guidelines, 2015. Collection method: clinical testing. Allele origin: germline.

Laboratory for Molecular Medicine, Mass General Brigham Personalized Medicine
Classification: Likely benign. Last evaluated: 2016-04-21. Review status: criteria provided, single submitter. Criteria: LMM Criteria. Collection method: clinical testing. Allele origin: germline. Observed: 1 variant allele.
Comment: p.Arg1653Gln in exon 24 of USH2A: This variant is not expected to have clinical significance due to a lack of conservation across species, including mammals. Of note, >30 mammals have an arginine (Arg) at this position despite high nearby a mino acid conservation. In addition, computational prediction tools do not sugge st a high likelihood of impact to the protein. It has been identified in 7/11146 Latino chromosomes by the Exome Aggregation Consortium (ExAC; dbSNP rs372436408).